The following is an entry in ClinVar:

NM_007254.4(PNKP):c.928G>T (p.Asp310Tyr)

Gene: PNKP (polynucleotide kinase 3'-phosphatase; minus strand). Cytogenetic location: 19q13.33.
Variant type: single nucleotide variant.
Coding change: c.928G>T on transcript NM_007254.4 (MANE Select); coding-DNA position 928, G replaced by T.
Protein change: p.Asp310Tyr; replaces aspartic acid 310 with tyrosine.
Molecular consequence: missense variant.
Genome position (GRCh38, 1-based): chr19:49,862,546, C>A on the plus strand (G>T on the coding strand, the complement: PNKP is on the minus strand). VCF-style: chr19-49862546-C-A. GRCh37 (hg19) VCF-style: chr19-50365803-C-A.
Other names: short protein forms D310Y.
Identifiers: ClinVar variation 2071402 (VCV002071402.4), dbSNP rs749118287, ClinGen allele CA406881809.

ClinVar aggregate classification (germline): Uncertain significance (1 of 4 stars; one submission).

Conditions:
Developmental and epileptic encephalopathy, 12 (DEE12). Identifiers: MedGen C3150988, MONDO:0013389, OMIM 613722.

gnomAD v4.1: 2 of 1,609,960 alleles (0.00012%); highest among the groups gnomAD compares: Non-Finnish European, 0.00017%; no homozygotes.

Submission:

Labcorp Genetics (formerly Invitae), Labcorp
Classification: Uncertain significance for Developmental and epileptic encephalopathy, 12. Last evaluated: 2022-01-17. Review status: criteria provided, single submitter. Criteria: Invitae Variant Classification Sherloc (09022015). Collection method: clinical testing. Allele origin: germline.
Comment: This variant is present in population databases (no rsID available, gnomAD 0.007%). This variant has not been reported in the literature in individuals affected with PNKP-related conditions. Algorithms developed to predict the effect of missense changes on protein structure and function (SIFT, PolyPhen-2, Align-GVGD) all suggest that this variant is likely to be disruptive. In summary, the available evidence is currently insufficient to determine the role of this variant in disease. Therefore, it has been classified as a Variant of Uncertain Significance. This sequence change replaces aspartic acid, which is acidic and polar, with tyrosine, which is neutral and polar, at codon 310 of the PNKP protein (p.Asp310Tyr).